The following is an entry in ClinVar:

ClinVar aggregate classification (germline): Uncertain significance. Review status: criteria provided, multiple submitters, no conflicts (2 of 4 stars). 2 submissions from 2 submitters: Uncertain significance (2). Last evaluated 2025-12-19.

Conditions:
Malignant hyperthermia, susceptibility to, 1 (MHS1). Also called: Anesthesia related hyperthermia; Malignant hyperpyrexia; Fulminating hyperpyrexia; Pharmacogenic myopathy; RYR1-Related Malignant Hyperthermia Susceptibility; Malignant hyperthermia suceptibility 1. Identifiers: Orphanet 423, MedGen C2930980, MONDO:0007783, OMIM 145600.

Submissions (2):

GeneDx
Classification: Uncertain significance. Last evaluated: 2025-12-19. Review status: criteria provided, single submitter. Criteria: GeneDx Variant Classification Process June 2021. Collection method: clinical testing. Allele origin: germline.
Comment: Not observed at significant frequency in large population cohorts (gnomAD); In silico analysis supports that this missense variant has a deleterious effect on protein structure/function; Has not been previously published as pathogenic or benign to our knowledge

Color Diagnostics, LLC DBA Color Health
Classification: Uncertain significance for Malignant hyperthermia, susceptibility to, 1. Last evaluated: 2025-07-17. Review status: criteria provided, single submitter. Criteria: ACMG Guidelines, 2015. Collection method: clinical testing. Allele origin: germline.
Comment: This missense variant replaces tryptophan with glycine at codon 995 of the RYR1 protein. Computational prediction suggests that this variant may have deleterious impact on protein structure and function. To our knowledge, functional studies have not been reported for this variant. This variant has not been reported in individuals affected with RYR1-related disorders in the literature. This variant has not been identified in the general population by the Genome Aggregation Database (gnomAD). The available evidence is insufficient to determine the role of this variant in disease conclusively. Therefore, this variant is classified as a Variant of Uncertain Significance.

NM_000540.3(RYR1):c.2983T>G (p.Trp995Gly)

Gene: RYR1 (ryanodine receptor 1; plus strand). Cytogenetic location: 19q13.2.
Variant type: single nucleotide variant.
Coding change: c.2983T>G on transcript NM_000540.3 (MANE Select); coding-DNA position 2983, T replaced by G.
Protein change: p.Trp995Gly; replaces tryptophan 995 with glycine.
Molecular consequence: missense variant.
Genome position (GRCh38, 1-based): chr19:38,466,203, T>G. VCF-style: chr19-38466203-T-G. GRCh37 (hg19) VCF-style: chr19-38956843-T-G.
Other names: c.2983T>G, p.Trp995Gly (NM_001042723.2); short protein forms W995G.
Identifiers: ClinVar variation 4077316 (VCV004077316.3).
Genomic context (GRCh38, chr19:38,466,203, plus strand): 5'-CGGCTGACGCCGGCGCAGACGACACTGGTGGACCGTCTGGCAGAAAATGGGCACAACGTG[T>G]GGGCCCGAGACCGCGTGGGCCAGGGCTGGAGCTACAGCGCAGTGCAGGACATCCCAGCGC-3'
Protein context (NP_000531.2, residues 985-1005): DRLAENGHNV[Trp995Gly]ARDRVGQGWS